The following is an entry in ClinVar:

NM_003073.5(SMARCB1):c.374C>T (p.Ala125Val)

Gene: SMARCB1 (SWI/SNF related BAF chromatin remodeling complex subunit B1; plus strand). Cytogenetic location: 22q11.23.
Variant type: single nucleotide variant.
Coding change: c.374C>T on transcript NM_003073.5 (MANE Select); coding-DNA position 374, C replaced by T.
Protein change: p.Ala125Val; replaces alanine 125 with valine.
Molecular consequence: missense variant.
Genome position (GRCh38, 1-based): chr22:23,800,955, C>T. VCF-style: chr22-23800955-C-T. GRCh37 (hg19) VCF-style: chr22-24143142-C-T.
Other names: c.347C>T, p.Ala116Val (NM_001007468.3, NM_001317946.2); c.374C>T, p.Ala125Val (NM_001362877.2); short protein forms A125V, A116V.
Identifiers: ClinVar variation 2781398 (VCV002781398.4), dbSNP rs1029942798, ClinGen allele CA410934311.

ClinVar aggregate classification (germline): Uncertain significance. Review status: criteria provided, multiple submitters, no conflicts (2 of 4 stars). 2 submissions from 2 submitters: Uncertain significance (2). Last evaluated 2025-09-08.

Conditions:
Hereditary cancer-predisposing syndrome. Also called: Neoplastic Syndromes, Hereditary; Tumor predisposition; Hereditary Cancer Syndrome; Hereditary neoplastic syndrome. Identifiers: Orphanet 140162, MedGen C0027672, MeSH D009386, MONDO:0015356.

Submissions (2):

Ambry Genetics
Classification: Uncertain significance for Hereditary cancer-predisposing syndrome. Last evaluated: 2025-09-08. Review status: criteria provided, single submitter. Criteria: Ambry Variant Classification Scheme 2023. Collection method: clinical testing. Allele origin: germline.
Comment: The p.A125V variant (also known as c.374C>T), located in coding exon 4 of the SMARCB1 gene, results from a C to T substitution at nucleotide position 374. The alanine at codon 125 is replaced by valine, an amino acid with similar properties. This amino acid position is well conserved in available vertebrate species. In addition, the in silico prediction for this alteration is inconclusive. Based on the available evidence, the clinical significance of this variant remains unclear.

Labcorp Genetics (formerly Invitae), Labcorp
Classification: Uncertain significance. Last evaluated: 2024-11-16. Review status: criteria provided, single submitter. Criteria: Invitae Variant Classification Sherloc (09022015). Collection method: clinical testing. Allele origin: germline.
Comment: This sequence change replaces alanine, which is neutral and non-polar, with valine, which is neutral and non-polar, at codon 125 of the SMARCB1 protein (p.Ala125Val). This variant is not present in population databases (gnomAD no frequency). This variant has not been reported in the literature in individuals affected with SMARCB1-related conditions. ClinVar contains an entry for this variant (Variation ID: 2781398). Invitae Evidence Modeling of protein sequence and biophysical properties (such as structural, functional, and spatial information, amino acid conservation, physicochemical variation, residue mobility, and thermodynamic stability) indicates that this missense variant is not expected to disrupt SMARCB1 protein function with a negative predictive value of 80%. In summary, the available evidence is currently insufficient to determine the role of this variant in disease. Therefore, it has been classified as a Variant of Uncertain Significance.